The following is an entry in ClinVar:

NM_002460.4(IRF4):c.245G>A (p.Arg82Gln)

Gene: IRF4 (interferon regulatory factor 4; plus strand). Cytogenetic location: 6p25.3.
Variant type: single nucleotide variant.
Coding change: c.245G>A on transcript NM_002460.4 (MANE Select); coding-DNA position 245, G replaced by A.
Protein change: p.Arg82Gln; replaces arginine 82 with glutamine.
Molecular consequence: missense variant. On other transcripts: non-coding transcript variant (1).
Genome position (GRCh38, 1-based): chr6:394,849, G>A. VCF-style: chr6-394849-G-A. GRCh37 (hg19) VCF-style: chr6-394849-G-A.
Other names: c.245G>A, p.Arg82Gln (NM_001195286.2); short protein forms R82Q.
Identifiers: ClinVar variation 2630955 (VCV002630955.3), dbSNP rs1377317453, ClinGen allele CA362546789.

ClinVar aggregate classification (germline): Uncertain significance. Review status: criteria provided, single submitter (1 of 4 stars). 2 submissions from 2 submitters: Uncertain significance (1). 1 of the submissions does not count toward it. Last evaluated 2025-04-07.

Conditions:
IRF4-related disorder. Also called: IRF4-related condition.

Allele frequency attached by ClinVar (database versions not stated): gnomAD exomes below 0.00001; TOPMed below 0.00001; gnomAD 0.00001.

Submissions (2):

Ambry Genetics
Classification: Uncertain significance. Last evaluated: 2025-04-07. Review status: criteria provided, single submitter. Criteria: Ambry Variant Classification Scheme 2023. Collection method: clinical testing. Allele origin: germline.

PreventionGenetics, part of Exact Sciences
Classification: Uncertain significance for IRF4-related condition. Last evaluated: 2024-03-04. Review status: no assertion criteria provided. Collection method: clinical testing. Allele origin: germline. Not counted in ClinVar's aggregate classification.
Comment: The IRF4 c.245G>A variant is predicted to result in the amino acid substitution p.Arg82Gln. To our knowledge, this variant has not been reported in the literature. This variant is reported in 0.00088% of alleles in individuals of European (Non-Finnish) descent in gnomAD. At this time, the clinical significance of this variant is uncertain due to the absence of conclusive functional and genetic evidence.